The following is an entry in ClinVar:

NM_000257.4(MYH7):c.2238C>T (p.Leu746=)

Gene: MYH7 (myosin heavy chain 7; minus strand). Cytogenetic location: 14q11.2.
Variant type: single nucleotide variant.
Coding change: c.2238C>T on transcript NM_000257.4 (MANE Select); coding-DNA position 2238, C replaced by T.
Protein change: p.Leu746=; no amino-acid change (leucine 746 retained).
Molecular consequence: synonymous variant.
Genome position (GRCh38, 1-based): chr14:23,425,743, G>A on the plus strand (C>T on the coding strand, the complement: MYH7 is on the minus strand). VCF-style: chr14-23425743-G-A. GRCh37 (hg19) VCF-style: chr14-23894952-G-A.
Identifiers: ClinVar variation 1104256 (VCV001104256.11), dbSNP rs768399986, ClinGen allele CA031861.
Genomic context (GRCh38, chr14:23,425,743, plus strand): 5'-TCCTTTCCTCACCTTGGTGTGGCCAAACTTGTACTGGTTGTGATCAATGTCCAGGGAGCT[G>A]AGCAGCTTCTCTGCCCCCTTCCTGCTATCAATGAACTGTCCCTCAGGGATGGCCGCTGGG-3'
Protein context (NP_000248.2, residues 736-756): IDSRKGAEKL[Leu746=]SSLDIDHNQY

ClinVar aggregate classification (germline): Likely benign. Review status: criteria provided, multiple submitters, no conflicts (2 of 4 stars). 3 submissions from 3 submitters: Likely benign (3). Last evaluated 2025-11-20.

Conditions:
Cardiovascular phenotype. Identifiers: MedGen CN230736.
Cardiomyopathy (CMYO). Also called: Cardiomyopathies. Identifiers: Orphanet 167848, MedGen C0878544, MONDO:0004994, HP:0001638. Inheritance: Various modes of inheritance.
Hypertrophic cardiomyopathy. Also called: HYPERTROPHIC MYOCARDIOPATHY. Identifiers: Orphanet 217569, MedGen C0007194, MeSH D002312, MONDO:0005045, HP:0001639.

Allele frequency attached by ClinVar (database versions not stated): gnomAD exomes below 0.00001 and 0.00001; TOPMed below 0.00001; gnomAD 0.00001; ExAC 0.00002.
gnomAD v4.1: 2 of 1,613,880 alleles (0.00012%); highest among the groups gnomAD compares: African/African-American, 0.0013%; no homozygotes.

Submissions (3):

Labcorp Genetics (formerly Invitae), Labcorp
Classification: Likely benign for Hypertrophic cardiomyopathy. Last evaluated: 2025-11-20. Review status: criteria provided, single submitter. Criteria: Invitae Variant Classification Sherloc (09022015). Collection method: clinical testing. Allele origin: germline.

Ambry Genetics
Classification: Likely benign for Cardiovascular phenotype. Last evaluated: 2024-07-24. Review status: criteria provided, single submitter. Criteria: Ambry Variant Classification Scheme 2023. Collection method: clinical testing. Allele origin: germline.

All of Us Research Program, National Institutes of Health
Classification: Likely benign for Cardiomyopathy. Last evaluated: 2023-05-04. Review status: criteria provided, single submitter. Criteria: ACMG Guidelines, 2015. Collection method: clinical testing. Allele origin: germline. Inheritance: Autosomal dominant inheritance. Observed: 2 variant alleles, 2 heterozygotes.
Comment: This study involves interpretation of variants in research participants for the purpose of population health screening. Participant phenotype was not available at the time of variant classification. Additional details can be found in publication PMID: 35346344, PMCID: PMC8962531